The following is an entry in ClinVar:

ClinVar aggregate classification (germline): Likely pathogenic (1 of 4 stars; one submission).

Submission:

CeGaT Center for Human Genetics Tuebingen
Classification: Likely pathogenic. Last evaluated: 2025-04-01. Review status: criteria provided, single submitter. Criteria: CeGaT Center For Human Genetics Tuebingen Variant Classification Criteria Version 2. Collection method: clinical testing. Allele origin: germline. Affected: yes. Observed: 1 variant allele.
Comment: CD40LG: PVS1:Strong, PM2, PS4:Moderate

NM_000074.3(CD40LG):c.636_637del (p.His212fs)

Gene: CD40LG (CD40 ligand; plus strand). Cytogenetic location: Xq26.3.
Variant type: Microsatellite.
Coding change: c.636_637del on transcript NM_000074.3 (MANE Select); coding-DNA positions 636 to 637, 2 bases deleted (CA; older notation c.636_637delCA).
Protein change: p.His212fs; shifts the reading frame from histidine 212.
Molecular consequence: frameshift variant.
Genome position (GRCh38, 1-based): chrX:136,659,265-136,659,266, CA deleted; deleting any 2 consecutive bases within chrX:136,659,263-136,659,266 gives the same sequence; the c. name uses the placement nearest the transcript's 3' end. VCF-style (leftmost placement, unchanged base first): chrX-136659262-CCA-C. GRCh37 (hg19) VCF-style: chrX-135741421-CCA-C.
Other names: short protein forms H212fs.
Identifiers: ClinVar variation 3898547 (VCV003898547.7).